The following is an entry in ClinVar:

ClinVar aggregate classification (germline): Pathogenic. Review status: criteria provided, multiple submitters, no conflicts (2 of 4 stars). 2 submissions from 2 submitters: Pathogenic (2). Last evaluated 2025-10-17.

Conditions:
Hereditary cancer-predisposing syndrome. Also called: Neoplastic Syndromes, Hereditary; Tumor predisposition; Hereditary Cancer Syndrome; Hereditary neoplastic syndrome. Identifiers: Orphanet 140162, MedGen C0027672, MeSH D009386, MONDO:0015356.

Submissions (2):

GeneDx
Classification: Pathogenic. Last evaluated: 2025-10-17. Review status: criteria provided, single submitter. Criteria: GeneDx Variant Classification Process June 2021. Collection method: clinical testing. Allele origin: germline.
Comment: Nonsense variant predicted to result in protein truncation or nonsense mediated decay in a gene for which loss of function is a known mechanism of disease; Not observed at significant frequency in large population cohorts (gnomAD); This variant is associated with the following publications: (PMID: 31160751, 26540169)

Ambry Genetics
Classification: Pathogenic for Hereditary cancer-predisposing syndrome. Last evaluated: 2018-12-18. Review status: criteria provided, single submitter. Criteria: Ambry Variant Classification Scheme 2023. Collection method: clinical testing. Allele origin: germline.
Comment: The p.Q792* pathogenic mutation (also known as c.2374C>T), located in coding exon 16 of the TSC1 gene, results from a C to T substitution at nucleotide position 2374. This changes the amino acid from a glutamine to a stop codon within coding exon 16. This mutation was detected as mosaic (3.3% in blood) in an individual with tuberous sclerosis complex (TSC) who did not have a mutation identified during original testing (Tyburczy ME et al. PLoS Genet., 2015 Nov;11:e1005637). In addition to the clinical data presented in the literature, this alteration is expected to result in loss of function by premature protein truncation or nonsense-mediated mRNA decay. As such, this alteration is interpreted as a disease-causing mutation.

Literature cited by the submitters: PubMed 26540169 (cited by Ambry Genetics).

NM_000368.5(TSC1):c.2374C>T (p.Gln792Ter)

Gene: TSC1 (TSC complex subunit 1; minus strand). Cytogenetic location: 9q34.13.
Variant type: single nucleotide variant.
Coding change: c.2374C>T on transcript NM_000368.5 (MANE Select); coding-DNA position 2374, C replaced by T.
Protein change: p.Gln792Ter; replaces glutamine 792 with a stop codon.
Molecular consequence: nonsense.
Genome position (GRCh38, 1-based): chr9:132,902,622, G>A on the plus strand (C>T on the coding strand, the complement: TSC1 is on the minus strand). VCF-style: chr9-132902622-G-A. GRCh37 (hg19) VCF-style: chr9-135778009-G-A.
Other names: c.2011C>T, p.Gln671Ter (NM_001406614.1, NM_001406615.1, NM_001406616.1 and 5 more transcripts); c.2008C>T, p.Gln670Ter (NM_001406620.1, NM_001406621.1, NM_001406622.1 and 2 more transcripts); c.2371C>T, p.Gln791Ter (NM_001162426.2, NM_001406597.1, NM_001406598.1 and 4 more transcripts); c.2221C>T, p.Gln741Ter (NM_001162427.2, NM_001406610.1); c.2374C>T, p.Gln792Ter (NM_001406592.1, NM_001406593.1, NM_001406594.1 and 5 more transcripts); c.2359C>T, p.Gln787Ter (NM_001406601.1, NM_001406602.1); c.2356C>T, p.Gln786Ter (NM_001406603.1, NM_001406604.1); c.2218C>T, p.Gln740Ter (NM_001406611.1, NM_001406612.1, NM_001406613.1); and 3 more; short protein forms Q787*, Q791*, Q670*, Q740*, Q792*, Q441*, Q474*, Q671*.
Identifiers: ClinVar variation 1790336 (VCV001790336.3), dbSNP rs2131728806, ClinGen allele CA375359161.
Genomic context (GRCh38, chr9:132,902,622, plus strand): 5'-CGGCATTCTCGCAGTTGGCTTTGCCTGGTGCTGCAGTTTATACCTGTAATTCCTGGCTCT[G>A]GTTGTAGAATTCCTCTCGGTCATGCTGCAGCTGTCTGATCTGGCTGTGGAGCTTGGTTAC-3'